The following is an entry in ClinVar:

ClinVar aggregate classification (germline): Uncertain significance. Review status: criteria provided, single submitter (1 of 4 stars). 2 submissions from 2 submitters: Uncertain significance (1). 1 of the submissions does not count toward it. Last evaluated 2022-08-01.

Conditions:
Retinitis pigmentosa (RP). Identifiers: Orphanet 791, MedGen C0035334, MeSH D012174, MONDO:0019200, OMIM 268000. Inheritance: Autosomal dominant, autosomal recessive and X linked inheritance.

Submissions (2):

Labcorp Genetics (formerly Invitae), Labcorp
Classification: Uncertain significance. Last evaluated: 2022-08-01. Review status: criteria provided, single submitter. Criteria: Invitae Variant Classification Sherloc (09022015). Collection method: clinical testing. Allele origin: germline.
Comment: In summary, the available evidence is currently insufficient to determine the role of this variant in disease. Therefore, it has been classified as a Variant of Uncertain Significance. Algorithms developed to predict the effect of missense changes on protein structure and function are either unavailable or do not agree on the potential impact of this missense change (SIFT: "Deleterious"; PolyPhen-2: "Probably Damaging"; Align-GVGD: "Class C0"). ClinVar contains an entry for this variant (Variation ID: 636259). This missense change has been observed in individuals with retinitis pigmentosa (PMID: 30718709; Invitae). This variant is not present in population databases (gnomAD no frequency). This sequence change replaces serine, which is neutral and polar, with arginine, which is basic and polar, at codon 224 of the USH2A protein (p.Ser224Arg).

Department of Clinical Genetics, Copenhagen University Hospital, Rigshospitalet
Classification: Uncertain significance for Retinitis pigmentosa. Last evaluated: 2018-04-01. Review status: no assertion criteria provided. Collection method: research. Allele origin: unknown. Affected: yes. Not counted in ClinVar's aggregate classification.

Literature cited by the submitters: PubMed 30718709 (cited by Labcorp Genetics (formerly Invitae), Labcorp).

NM_206933.4(USH2A):c.672C>A (p.Ser224Arg)

Gene: USH2A (usherin; minus strand). Cytogenetic location: 1q41.
Variant type: single nucleotide variant.
Coding change: c.672C>A on transcript NM_206933.4 (MANE Select); coding-DNA position 672, C replaced by A.
Protein change: p.Ser224Arg; replaces serine 224 with arginine.
Molecular consequence: missense variant.
Genome position (GRCh38, 1-based): chr1:216,365,065, G>T on the plus strand (C>A on the coding strand, the complement: USH2A is on the minus strand). VCF-style: chr1-216365065-G-T. GRCh37 (hg19) VCF-style: chr1-216538407-G-T.
Other names: c.672C>A, p.Ser224Arg (NM_007123.6); short protein forms S224R.
Identifiers: ClinVar variation 636259 (VCV000636259.7), dbSNP rs1571744237, ClinGen allele CA344908614.
Genomic context (GRCh38, chr1:216,365,065, plus strand): 5'-ACCACTTAGAGTTCTTGCATTGAAAGGTGTATGATCCTTCTCCACGCCATTGATAAAGAA[G>T]CTGATTTTTGTCTGATGCACCTGTAAGAAATTACCACCATTATTAGTTTAAGTGCATAAA-3'
Protein context (NP_996816.3, residues 214-234): LSVQVHQTKI[Ser224Arg]FFINGVEKDH